The following is an entry in ClinVar:

NM_014908.4(DOLK):c.191T>C (p.Leu64Pro)

Gene: DOLK (dolichol kinase; minus strand). Cytogenetic location: 9q34.11.
Variant type: single nucleotide variant.
Coding change: c.191T>C on transcript NM_014908.4 (MANE Select); coding-DNA position 191, T replaced by C.
Protein change: p.Leu64Pro; replaces leucine 64 with proline.
Molecular consequence: missense variant.
Genome position (GRCh38, 1-based): chr9:128,947,113, A>G on the plus strand (T>C on the coding strand, the complement: DOLK is on the minus strand). VCF-style: chr9-128947113-A-G. GRCh37 (hg19) VCF-style: chr9-131709392-A-G.
Other names: short protein forms L64P.
Identifiers: ClinVar variation 2076295 (VCV002076295.4), dbSNP rs2492005714, ClinGen allele CA375127781.

ClinVar aggregate classification (germline): Uncertain significance (1 of 4 stars; one submission).

Conditions:
DK1-congenital disorder of glycosylation. Also called: CONGENITAL DISORDER OF GLYCOSYLATION, TYPE Im; CDG Im; DK1 DEFICIENCY; DOLICHOL KINASE DEFICIENCY; DOLK-congenital disorder of glycosylation; Carbohydrate deficient glycoprotein syndrome type 1m. Identifiers: Orphanet 91131, MedGen C1835849, MONDO:0012556, OMIM 610768.

Submission:

Labcorp Genetics (formerly Invitae), Labcorp
Classification: Uncertain significance for DK1-congenital disorder of glycosylation. Last evaluated: 2022-01-06. Review status: criteria provided, single submitter. Criteria: Invitae Variant Classification Sherloc (09022015). Collection method: clinical testing. Allele origin: germline.
Comment: In summary, the available evidence is currently insufficient to determine the role of this variant in disease. Therefore, it has been classified as a Variant of Uncertain Significance. Algorithms developed to predict the effect of missense changes on protein structure and function are either unavailable or do not agree on the potential impact of this missense change (SIFT: "Deleterious"; PolyPhen-2: "Probably Damaging"; Align-GVGD: "Class C0"). This variant has not been reported in the literature in individuals affected with DOLK-related conditions. This variant is not present in population databases (gnomAD no frequency). This sequence change replaces leucine, which is neutral and non-polar, with proline, which is neutral and non-polar, at codon 64 of the DOLK protein (p.Leu64Pro).